The following is an entry in ClinVar:

ClinVar aggregate classification (germline): Uncertain significance (1 of 4 stars; one submission).

Conditions:
Immunodeficiency 39 (IMD39). Identifiers: Orphanet 574918, MedGen C4225358, MONDO:0014597, OMIM 616345.

Submission:

Labcorp Genetics (formerly Invitae), Labcorp
Classification: Uncertain significance for Immunodeficiency 39. Last evaluated: 2025-12-11. Review status: criteria provided, single submitter. Criteria: Invitae Variant Classification Sherloc (09022015). Collection method: clinical testing. Allele origin: germline.
Comment: This sequence change replaces arginine, which is basic and polar, with lysine, which is basic and polar, at codon 88 of the IRF7 protein (p.Arg88Lys). This variant is not present in population databases (gnomAD no frequency). This variant has not been reported in the literature in individuals affected with IRF7-related conditions. An algorithm developed to predict the effect of missense changes on protein structure and function (PolyPhen-2) suggests that this variant is likely to be tolerated. In summary, the available evidence is currently insufficient to determine the role of this variant in disease. Therefore, it has been classified as a Variant of Uncertain Significance.

NM_001572.5(IRF7):c.224G>A (p.Arg75Lys)

Gene: IRF7 (interferon regulatory factor 7; minus strand). Cytogenetic location: 11p15.5.
Variant type: single nucleotide variant.
Coding change: c.224G>A on transcript NM_001572.5 (MANE Select); coding-DNA position 224, G replaced by A.
Protein change: p.Arg75Lys; replaces arginine 75 with lysine.
Molecular consequence: missense variant.
Genome position (GRCh38, 1-based): chr11:614,967, C>T on the plus strand (G>A on the coding strand, the complement: IRF7 is on the minus strand). VCF-style: chr11-614967-C-T. GRCh37 (hg19) VCF-style: chr11-614967-C-T.
Other names: c.224G>A, p.Arg75Lys (NM_004029.4, NM_001440445.1, NM_001440446.1 and 1 more transcripts); c.263G>A, p.Arg88Lys (NM_004031.4, NM_001440444.1, NM_001440440.1); short protein forms R75K, R88K.
Identifiers: ClinVar variation 4777023 (VCV004777023.1).